The following is an entry in ClinVar:

ClinVar aggregate classification (germline): Conflicting classifications of pathogenicity. Review status: criteria provided, conflicting classifications (1 of 4 stars). 7 submissions from 7 submitters: Uncertain significance (1); Benign (2); Likely benign (3). 1 of the submissions does not count toward it. Last evaluated 2026-02-03.

Conditions:
Ehlers-Danlos syndrome, classic type, 1 (EDSCL1). Also called: Ehlers-Danlos Syndrome, Classic Type, COL5A1-Related; EHLERS-DANLOS SYNDROME, GRAVIS TYPE; EHLERS-DANLOS SYNDROME, SEVERE CLASSIC TYPE; Ehlers-Danlos syndrome, type 1; EDS I. Identifiers: MedGen C0268335, MONDO:0019567, OMIM 130000.
Connective tissue disorder. Also called: Connective tissue disease. Identifiers: MedGen C0009782, MONDO:0003900.
COL5A1-related disorder. Also called: COL5A1-related condition.
Ehlers-Danlos syndrome, classic type (cEDS). Identifiers: Orphanet 287, MedGen C4225429, MONDO:0007522.
Familial thoracic aortic aneurysm and aortic dissection (TAAD). Also called: Thoracic aortic aneurysms and dissections. Identifiers: Orphanet 91387, MedGen C4707243, MONDO:0019625.

Allele frequency attached by ClinVar (database versions not stated): 1000 Genomes Project 0.00020; TOPMed 0.00012; gnomAD 0.00010; 1000 Genomes Project 30x 0.00016.
gnomAD v4.1: 220 of 1,614,182 alleles (0.014%); highest among the groups gnomAD compares: Admixed American, 0.012%; 1 homozygote.

Submissions (8):

Labcorp Genetics (formerly Invitae), Labcorp
Classification: Likely benign for Ehlers-Danlos syndrome, classic type, 1. Last evaluated: 2026-02-03. Review status: criteria provided, single submitter. Criteria: Invitae Variant Classification Sherloc (09022015). Collection method: clinical testing. Allele origin: germline.

Women's Health and Genetics/Laboratory Corporation of America, LabCorp
Classification: Benign. Last evaluated: 2024-08-27. Review status: criteria provided, single submitter. Criteria: LabCorp Variant Classification Summary - May 2015. Collection method: clinical testing. Allele origin: germline.

Center for Human Genetics, Inc
Classification: Uncertain significance for Connective tissue disorder. Last evaluated: 2018-06-01. Review status: criteria provided, single submitter. Criteria: ACMG Guidelines, 2015. Collection method: clinical testing. Allele origin: germline. Affected: yes.

Illumina Laboratory Services, Illumina
Classification: Likely benign for Ehlers-Danlos syndrome, classic type, 1. Last evaluated: 2018-01-13. Review status: criteria provided, single submitter. Criteria: ICSL Variant Classification Criteria 13 December 2019. Collection method: clinical testing. Allele origin: germline.
Comment: This variant was observed in the ICSL laboratory as part of a predisposition screen in an ostensibly healthy population. It had not been previously curated by ICSL or reported in the Human Gene Mutation Database (HGMD: prior to June 1st, 2018), and was therefore a candidate for classification through an automated scoring system. Utilizing variant allele frequency, disease prevalence and penetrance estimates, and inheritance mode, an automated score was calculated to assess if this variant is too frequent to cause the disease. Based on the score and internal cut-off values, a variant classified as likely benign is not then subjected to further curation. The score for this variant resulted in a classification of likely benign for this disease.

Ambry Genetics
Classification: Likely benign for Familial thoracic aortic aneurysm and aortic dissection. Last evaluated: 2015-11-18. Review status: criteria provided, single submitter. Criteria: Ambry Variant Classification Scheme 2023. Collection method: clinical testing. Allele origin: germline.

GeneDx
Classification: Benign. Last evaluated: 2014-10-16. Review status: criteria provided, single submitter. Criteria: GeneDx Variant Classification (06012015). Collection method: clinical testing. Allele origin: germline. Affected: yes.
Comment: This variant is considered likely benign or benign based on one or more of the following criteria: it is a conservative change, it occurs at a poorly conserved position in the protein, it is predicted to be benign by multiple in silico algorithms, and/or has population frequency not consistent with disease.

PreventionGenetics, part of Exact Sciences
Classification: Likely benign for COL5A1-related condition. Last evaluated: 2020-12-09. Review status: no assertion criteria provided. Collection method: clinical testing. Allele origin: germline. Not counted in ClinVar's aggregate classification.
Comment: This variant is classified as likely benign based on ACMG/AMP sequence variant interpretation guidelines (Richards et al. 2015 PMID: 25741868, with internal and published modifications).

Dr. Peter K. Rogan Lab, Western University
No classification provided (evidence only). Condition: Adrenocortical carcinoma, hereditary. Review status: no classification provided. Collection method: in vitro. Allele origin: not applicable. Functional consequence: retained intron. Not counted in ClinVar's aggregate classification.

NM_000093.5(COL5A1):c.1350C>T (p.Gly450=)

Gene: COL5A1 (collagen type V alpha 1 chain; plus strand). Cytogenetic location: 9q34.3.
Variant type: single nucleotide variant.
Coding change: c.1350C>T on transcript NM_000093.5 (MANE Select); coding-DNA position 1350, C replaced by T.
Protein change: p.Gly450=; no amino-acid change (glycine 450 retained).
Molecular consequence: synonymous variant.
Genome position (GRCh38, 1-based): chr9:134,732,088, C>T. VCF-style: chr9-134732088-C-T. GRCh37 (hg19) VCF-style: chr9-137623934-C-T.
Other names: p.G450G:GGC>GGT; c.1350C>T, p.Gly450= (NM_001278074.1).
Identifiers: ClinVar variation 212929 (VCV000212929.25), dbSNP rs576332528, ClinGen allele CA320436.
Genomic context (GRCh38, chr9:134,732,088, plus strand): 5'-TTTCTCTCTGATTCTCTTTCCATCTGCCTTTTATCACCCCCAGATTGGAGGACCTCGGGG[C>T]GAGAAAGGCCAAAAGGGAGAACCAGCGATTATCGAGCCGGTGAGGACATTTTCTCATTCC-3'
Protein context (NP_000084.3, residues 440-460): TIYEGIGGPR[Gly450=]EKGQKGEPAI